The following is an entry in ClinVar:

ClinVar aggregate classification (germline): Conflicting classifications of pathogenicity. Review status: criteria provided, conflicting classifications (1 of 4 stars). 2 submissions from 2 submitters: Uncertain significance (1); Likely benign (1). Last evaluated 2025-03-26.

Allele frequency attached by ClinVar (database versions not stated): gnomAD exomes 0.00001; ExAC 0.00002; TOPMed 0.00002; gnomAD 0.00003; ESP Exome Variant Server 0.00009.
gnomAD v4.1: 18 of 1,208,979 alleles (0.0015%); highest among the groups gnomAD compares: Non-Finnish European, 0.002%; no homozygotes.

Submissions (2):

Labcorp Genetics (formerly Invitae), Labcorp
Classification: Uncertain significance. Last evaluated: 2025-03-26. Review status: criteria provided, single submitter. Criteria: Invitae Variant Classification Sherloc (09022015). Collection method: clinical testing. Allele origin: germline.
Comment: This sequence change replaces isoleucine, which is neutral and non-polar, with methionine, which is neutral and non-polar, at codon 555 of the OPHN1 protein (p.Ile555Met). This variant is present in population databases (rs376148458, gnomAD 0.006%), including at least one homozygous and/or hemizygous individual. This variant has not been reported in the literature in individuals affected with OPHN1-related conditions. ClinVar contains an entry for this variant (Variation ID: 2201441). An algorithm developed to predict the effect of missense changes on protein structure and function (PolyPhen-2) suggests that this variant is likely to be disruptive. In summary, the available evidence is currently insufficient to determine the role of this variant in disease. Therefore, it has been classified as a Variant of Uncertain Significance.

CeGaT Center for Human Genetics Tuebingen
Classification: Likely benign. Last evaluated: 2024-12-01. Review status: criteria provided, single submitter. Criteria: CeGaT Center For Human Genetics Tuebingen Variant Classification Criteria Version 2. Collection method: clinical testing. Allele origin: germline. Affected: yes. Observed: 2 variant alleles.
Comment: OPHN1: BS2

NM_002547.3(OPHN1):c.1665A>G (p.Ile555Met)

Gene: OPHN1 (oligophrenin 1; minus strand). Cytogenetic location: Xq12.
Variant type: single nucleotide variant.
Coding change: c.1665A>G on transcript NM_002547.3 (MANE Select); coding-DNA position 1665, A replaced by G.
Protein change: p.Ile555Met; replaces isoleucine 555 with methionine.
Molecular consequence: missense variant.
Genome position (GRCh38, 1-based): chrX:68,096,891, T>C on the plus strand (A>G on the coding strand, the complement: OPHN1 is on the minus strand). VCF-style: chrX-68096891-T-C. GRCh37 (hg19) VCF-style: chrX-67316733-T-C.
Other names: short protein forms I555M.
Identifiers: ClinVar variation 2201441 (VCV002201441.18), dbSNP rs376148458, ClinGen allele CA10436868.